The following is an entry in ClinVar:

ClinVar aggregate classification (germline): Uncertain significance (1 of 4 stars; one submission).

Submission:

Labcorp Genetics (formerly Invitae), Labcorp
Classification: Uncertain significance. Last evaluated: 2025-07-30. Review status: criteria provided, single submitter. Criteria: Invitae Variant Classification Sherloc (09022015). Collection method: clinical testing. Allele origin: germline.
Comment: This sequence change replaces methionine, which is neutral and non-polar, with isoleucine, which is neutral and non-polar, at codon 2011 of the MTOR protein (p.Met2011Ile). This variant also falls at the last nucleotide of exon 43, which is part of the consensus splice site for this exon. This variant is not present in population databases (gnomAD no frequency). This variant has not been reported in the literature in individuals affected with MTOR-related conditions. An algorithm developed to predict the effect of missense changes on protein structure and function (PolyPhen-2) suggests that this variant is likely to be tolerated. Variants that disrupt the consensus splice site are a relatively common cause of aberrant splicing (PMID: 17576681, 9536098). Algorithms developed to predict the effect of sequence changes on RNA splicing suggest that this variant may disrupt the consensus splice site. In summary, the available evidence is currently insufficient to determine the role of this variant in disease. Therefore, it has been classified as a Variant of Uncertain Significance.

Literature cited by the submitters: PubMed 17576681; PubMed 9536098.

NM_004958.4(MTOR):c.6033G>A (p.Met2011Ile)

Gene: MTOR (mechanistic target of rapamycin kinase; minus strand). Cytogenetic location: 1p36.22.
Variant type: single nucleotide variant.
Coding change: c.6033G>A on transcript NM_004958.4 (MANE Select); coding-DNA position 6033, G replaced by A.
Protein change: p.Met2011Ile; replaces methionine 2011 with isoleucine.
Molecular consequence: missense variant.
Genome position (GRCh38, 1-based): chr1:11,128,004, C>T on the plus strand (G>A on the coding strand, the complement: MTOR is on the minus strand). VCF-style: chr1-11128004-C-T. GRCh37 (hg19) VCF-style: chr1-11188061-C-T.
Other names: c.6033G>A, p.Met2011Ile (NM_001386500.1); c.4785G>A, p.Met1595Ile (NM_001386501.1); short protein forms M1595I, M2011I.
Identifiers: ClinVar variation 4724342 (VCV004724342.1).